The following is an entry in ClinVar:

ClinVar aggregate classification (germline): Conflicting classifications of pathogenicity. Review status: criteria provided, conflicting classifications (1 of 4 stars). 5 submissions from 5 submitters: Uncertain significance (2); Likely benign (2). 1 of the submissions does not count toward it. Last evaluated 2026-01-31.

Conditions:
Peroxisome biogenesis disorder 11A (Zellweger). Also called: Peroxisome biogenesis disorder 11A. Identifiers: Orphanet 912, MedGen C3554000, MONDO:0013949, OMIM 614883.
PEX13-related disorder. Also called: PEX13-related condition; PEX13-related disorders.

Allele frequency attached by ClinVar (database versions not stated): gnomAD exomes 0.00013 and 0.00026; TOPMed 0.00014; 1000 Genomes Project 30x 0.00016; gnomAD 0.00017; ExAC 0.00019; 1000 Genomes Project 0.00020.
gnomAD v4.1: 238 of 1,612,702 alleles (0.015%); highest among the groups gnomAD compares: Middle Eastern, 0.033%; 1 homozygote.

Submissions (5):

Labcorp Genetics (formerly Invitae), Labcorp
Classification: Likely benign for Peroxisome biogenesis disorder 11A (Zellweger). Last evaluated: 2026-01-31. Review status: criteria provided, single submitter. Criteria: Invitae Variant Classification Sherloc (09022015). Collection method: clinical testing. Allele origin: germline.

Blueprint Genetics
Classification: Likely benign. Last evaluated: 2024-09-23. Review status: criteria provided, single submitter. Criteria: ACMG Guidelines, 2015. Collection method: clinical testing. Allele origin: germline.

Illumina Laboratory Services, Illumina
Classification: Uncertain significance for Peroxisome biogenesis disorder 11A (Zellweger). Last evaluated: 2018-01-12. Review status: criteria provided, single submitter. Criteria: ICSL Variant Classification Criteria 13 December 2019. Collection method: clinical testing. Allele origin: germline.

Eurofins Ntd Llc (ga)
Classification: Uncertain significance. Last evaluated: 2017-04-17. Review status: criteria provided, single submitter. Criteria: EGL Classification Definitions 2015. Collection method: clinical testing. Allele origin: germline. Observed: 1 variant allele, 1 heterozygote.

PreventionGenetics, part of Exact Sciences
Classification: Likely benign for PEX13-related condition. Last evaluated: 2022-10-11. Review status: no assertion criteria provided. Collection method: clinical testing. Allele origin: germline. Not counted in ClinVar's aggregate classification.
Comment: This variant is classified as likely benign based on ACMG/AMP sequence variant interpretation guidelines (Richards et al. 2015 PMID: 25741868, with internal and published modifications).

NM_002618.4(PEX13):c.856G>A (p.Val286Ile)

Gene: PEX13 (peroxisomal biogenesis factor 13; plus strand). Cytogenetic location: 2p15.
Variant type: single nucleotide variant.
Coding change: c.856G>A on transcript NM_002618.4 (MANE Select); coding-DNA position 856, G replaced by A.
Protein change: p.Val286Ile; replaces valine 286 with isoleucine.
Molecular consequence: missense variant.
Genome position (GRCh38, 1-based): chr2:61,045,794, G>A. VCF-style: chr2-61045794-G-A. GRCh37 (hg19) VCF-style: chr2-61272929-G-A.
Other names: short protein forms V286I.
Identifiers: ClinVar variation 336669 (VCV000336669.23), dbSNP rs201699810, ClinGen allele CA1673366.
Genomic context (GRCh38, chr2:61,045,794, plus strand): 5'-AACTGGGCAAGTGGTGAGGATGACCATGTAGTTGCCAGAGCAGAATATGATTTTGCTGCC[G>A]TATCTGAAGAAGAAATTTCTTTCCGGGCTGGTGATATGCTGAACTTAGCTCTCAAAGGTA-3'
Protein context (NP_002609.1, residues 276-296): VARAEYDFAA[Val286Ile]SEEEISFRAG